The following is an entry in ClinVar:

ClinVar aggregate classification (germline): Uncertain significance (1 of 4 stars; one submission).

Conditions:
Welander distal myopathy (WDM). Also called: Welander distal myopathy, Swedish type; Distal myopathy, Swedish type; MUSCULAR DYSTROPHY, DISTAL, LATE-ONSET, AUTOSOMAL DOMINANT; Gower's muscular dystrophy. Identifiers: Orphanet 603, MedGen C0221054, MONDO:0011466, OMIM 604454.

Submission:

Labcorp Genetics (formerly Invitae), Labcorp
Classification: Uncertain significance for Welander distal myopathy. Last evaluated: 2025-07-21. Review status: criteria provided, single submitter. Criteria: Invitae Variant Classification Sherloc (09022015). Collection method: clinical testing. Allele origin: germline.
Comment: This sequence change replaces glycine, which is neutral and non-polar, with arginine, which is basic and polar, at codon 284 of the TIA1 protein (p.Gly284Arg). This variant is not present in population databases (gnomAD no frequency). This variant has not been reported in the literature in individuals affected with TIA1-related conditions. ClinVar contains an entry for this variant (Variation ID: 2092793). Invitae Evidence Modeling of protein sequence and biophysical properties (such as structural, functional, and spatial information, amino acid conservation, physicochemical variation, residue mobility, and thermodynamic stability) has been performed for this missense variant. However, the output from this modeling did not meet the statistical confidence thresholds required to predict the impact of this variant on TIA1 protein function. In summary, the available evidence is currently insufficient to determine the role of this variant in disease. Therefore, it has been classified as a Variant of Uncertain Significance.

NM_022173.4(TIA1):c.850G>C (p.Gly284Arg)

Gene: TIA1 (TIA1 cytotoxic granule associated RNA binding protein; minus strand). Cytogenetic location: 2p13.3.
Variant type: single nucleotide variant.
Coding change: c.850G>C on transcript NM_022173.4 (MANE Select); coding-DNA position 850, G replaced by C.
Protein change: p.Gly284Arg; replaces glycine 284 with arginine.
Molecular consequence: missense variant. On other transcripts: non-coding transcript variant (17).
Genome position (GRCh38, 1-based): chr2:70,215,409, C>G on the plus strand (G>C on the coding strand, the complement: TIA1 is on the minus strand). VCF-style: chr2-70215409-C-G. GRCh37 (hg19) VCF-style: chr2-70442541-C-G.
Other names: c.712G>C, p.Gly238Arg (NM_001351512.1); c.850G>C, p.Gly284Arg (NM_001351508.2); c.823G>C, p.Gly275Arg (NM_001351509.2); c.817G>C, p.Gly273Arg (NM_001351510.2, NM_022037.4); c.739G>C, p.Gly247Arg (NM_001351511.1); c.430G>C, p.Gly144Arg (NM_001351524.2, NM_001351525.2, NM_001351517.2); c.706G>C, p.Gly236Arg (NM_001351513.1); c.622G>C, p.Gly208Arg (NM_001351514.2); and 1 more; short protein forms G208R, G238R, G284R, G236R, G144R, G183R, G273R, G247R.
Identifiers: ClinVar variation 2092793 (VCV002092793.4), dbSNP rs2466511109, ClinGen allele CA347151159.